The following is an entry in ClinVar:

NM_000393.5(COL5A2):c.1303G>A (p.Gly435Ser)

Gene: COL5A2 (collagen type V alpha 2 chain; minus strand). Cytogenetic location: 2q32.2.
Variant type: single nucleotide variant.
Coding change: c.1303G>A on transcript NM_000393.5 (MANE Select); coding-DNA position 1303, G replaced by A.
Protein change: p.Gly435Ser; replaces glycine 435 with serine.
Molecular consequence: missense variant.
Genome position (GRCh38, 1-based): chr2:189,068,113, C>T on the plus strand (G>A on the coding strand, the complement: COL5A2 is on the minus strand). VCF-style: chr2-189068113-C-T. GRCh37 (hg19) VCF-style: chr2-189932839-C-T.
Other names: short protein forms G435S.
Identifiers: ClinVar variation 2790827 (VCV002790827.3), dbSNP rs1686192801, ClinGen allele CA349852931.

ClinVar aggregate classification (germline): Uncertain significance (1 of 4 stars; one submission).

Conditions:
Ehlers-Danlos syndrome, classic type, 1 (EDSCL1). Also called: EHLERS-DANLOS SYNDROME, GRAVIS TYPE; EHLERS-DANLOS SYNDROME, SEVERE CLASSIC TYPE; Ehlers-Danlos syndrome, type 1; Ehlers-Danlos Syndrome, Classic Type, COL5A1-Related; EDS I. Identifiers: MedGen C0268335, MONDO:0019567, OMIM 130000.

Allele frequency attached by ClinVar (database versions not stated): TOPMed 0.00001.

Submission:

Labcorp Genetics (formerly Invitae), Labcorp
Classification: Uncertain significance for Ehlers-Danlos syndrome, classic type, 1. Last evaluated: 2023-03-27. Review status: criteria provided, single submitter. Criteria: Invitae Variant Classification Sherloc (09022015). Collection method: clinical testing. Allele origin: germline.
Comment: This sequence change replaces glycine, which is neutral and non-polar, with serine, which is neutral and polar, at codon 435 of the COL5A2 protein (p.Gly435Ser). This variant is not present in population databases (gnomAD no frequency). This variant has not been reported in the literature in individuals affected with COL5A2-related conditions. An algorithm developed to predict the effect of missense changes on protein structure and function (PolyPhen-2) suggests that this variant is likely to be disruptive. In summary, the available evidence is currently insufficient to determine the role of this variant in disease. Therefore, it has been classified as a Variant of Uncertain Significance.